The following is an entry in ClinVar:

NM_207122.2(EXT2):c.626G>A (p.Arg209Lys)

Gene: EXT2 (exostosin glycosyltransferase 2; plus strand). Cytogenetic location: 11p11.2.
Variant type: single nucleotide variant.
Coding change: c.626G>A on transcript NM_207122.2 (MANE Select); coding-DNA position 626, G replaced by A.
Protein change: p.Arg209Lys; replaces arginine 209 with lysine.
Molecular consequence: missense variant.
Genome position (GRCh38, 1-based): chr11:44,109,283, G>A. VCF-style: chr11-44109283-G-A. GRCh37 (hg19) VCF-style: chr11-44130833-G-A.
Other names: c.725G>A, p.Arg242Lys (NM_000401.3); c.626G>A, p.Arg209Lys (NM_001178083.3, NM_001389628.1, NM_001389630.1); short protein forms R242K, R209K.
Identifiers: ClinVar variation 2712606 (VCV002712606.3), dbSNP rs1954108683, ClinGen allele CA380180822.

ClinVar aggregate classification (germline): Uncertain significance (1 of 4 stars; one submission).

Conditions:
Exostoses, multiple, type 2 (EXT2). Also called: Hereditary Multiple Osteochondromatosis, Type II; EXOSTOSES, MULTIPLE, TYPE II. Identifiers: Orphanet 321, MedGen C1851413, MONDO:0007586, OMIM 133701.

Allele frequency attached by ClinVar (database versions not stated): TOPMed below 0.00001.

Submission:

Labcorp Genetics (formerly Invitae), Labcorp
Classification: Uncertain significance for Exostoses, multiple, type 2. Last evaluated: 2023-09-04. Review status: criteria provided, single submitter. Criteria: Invitae Variant Classification Sherloc (09022015). Collection method: clinical testing. Allele origin: germline.
Comment: In summary, the available evidence is currently insufficient to determine the role of this variant in disease. Therefore, it has been classified as a Variant of Uncertain Significance. Variants that disrupt the consensus splice site are a relatively common cause of aberrant splicing (PMID: 17576681, 9536098). Algorithms developed to predict the effect of sequence changes on RNA splicing suggest that this variant may disrupt the consensus splice site. An algorithm developed to predict the effect of missense changes on protein structure and function (PolyPhen-2) suggests that this variant is likely to be tolerated. This variant has not been reported in the literature in individuals affected with EXT2-related conditions. This variant is not present in population databases (gnomAD no frequency). This sequence change replaces arginine, which is basic and polar, with lysine, which is basic and polar, at codon 209 of the EXT2 protein (p.Arg209Lys). This variant also falls at the last nucleotide of exon 3, which is part of the consensus splice site for this exon.

Literature cited by the submitters: PubMed 17576681; PubMed 9536098.